The following is an entry in ClinVar:

NM_004162.5(RAB5A):c.395G>A (p.Gly132Glu)

Gene: RAB5A (RAB5A, member RAS oncogene family; plus strand). Cytogenetic location: 3p24.3.
Variant type: single nucleotide variant.
Coding change: c.395G>A on transcript NM_004162.5 (MANE Select); coding-DNA position 395, G replaced by A.
Protein change: p.Gly132Glu; replaces glycine 132 with glutamic acid.
Molecular consequence: missense variant.
Genome position (GRCh38, 1-based): chr3:19,976,126, G>A. VCF-style: chr3-19976126-G-A. GRCh37 (hg19) VCF-style: chr3-20017618-G-A.
Other names: c.353G>A, p.Gly118Glu (NM_001292048.2); short protein forms G118E, G132E.
Identifiers: ClinVar variation 2672110 (VCV002672110.1), dbSNP rs2470187476, ClinGen allele CA351858298.

ClinVar aggregate classification (germline): Uncertain significance (1 of 4 stars; one submission).

Submission:

Clinical Genomics Laboratory, Washington University in St. Louis
Classification: Uncertain significance. Last evaluated: 2023-08-30. Review status: criteria provided, single submitter. Criteria: ACMG Guidelines, 2015. Collection method: clinical testing. Allele origin: germline.
Comment: The RAB5A c.395G>A (p.Gly132Glu) variant, to our knowledge, has not been reported in the medical literature and is absent from the general population (gnomAD v.2.1.1), indicating it is not a common variant. Computational predictors indicate that the variant is damaging, evidence that correlates with impact to RAB5A function. Due to limited information, the clinical significance of this variant is uncertain.